The following is an entry in ClinVar:

ClinVar aggregate classification (germline): Uncertain significance (1 of 4 stars; one submission).

Submission:

GeneDx
Classification: Uncertain significance. Last evaluated: 2025-03-05. Review status: criteria provided, single submitter. Criteria: GeneDx Variant Classification Process June 2021. Collection method: clinical testing. Allele origin: germline. Affected: yes.
Comment: Not observed at significant frequency in large population cohorts (gnomAD); In silico analysis indicates that this missense variant does not alter protein structure/function; Has not been previously published as pathogenic or benign to our knowledge

NM_001365.5(DLG4):c.67G>T (p.Ala23Ser)

Genes: ACADVL (acyl-CoA dehydrogenase very long chain; plus strand), DLG4 (discs large MAGUK scaffold protein 4; minus strand). Cytogenetic location: 17p13.1.
Variant type: single nucleotide variant.
Coding change: c.67G>T on transcript NM_001365.5 (MANE Plus Clinical); coding-DNA position 67, G replaced by T.
Protein change: p.Ala23Ser; replaces alanine 23 with serine.
Molecular consequence: missense variant. On other transcripts: non-coding transcript variant (1), intron variant (1).
Genome position (GRCh38, 1-based): chr17:7,218,592, C>A on the plus strand (G>T on the coding strand, the complement: DLG4 is on the minus strand). VCF-style: chr17-7218592-C-A. GRCh37 (hg19) VCF-style: chr17-7121911-C-A.
Other names: c.67G>T, p.Ala23Ser (NM_001321074.1); c.131+774C>A (NM_001270447.2); short protein forms A23S.
Identifiers: ClinVar variation 1311690 (VCV001311690.5), dbSNP rs1014318240, ClinGen allele CA397721743.